The following is an entry in ClinVar:

ClinVar aggregate classification (germline): Pathogenic/Likely pathogenic. Review status: criteria provided, multiple submitters, no conflicts (2 of 4 stars). 2 submissions from 2 submitters: Pathogenic (1); Likely pathogenic (1). Last evaluated 2025-11-20.

Conditions:
Familial cancer of breast. Also called: BREAST CANCER, FAMILIAL; Hereditary breast cancer; hereditary breast carcinoma. Identifiers: Orphanet 227535, MedGen C0346153, MONDO:0016419, OMIM 114480. Disease mechanism: loss of function.

Submissions (2):

Dasa
Classification: Likely pathogenic. Last evaluated: 2025-11-20. Review status: criteria provided, single submitter. Criteria: DASA Assertion Criteria. Collection method: clinical testing. Allele origin: germline.
Comment: NM_007194.4(CHEK2):c.464_465del (p.Ser155Leufs*30) is a frameshift variant in CHEK2 predicted to alter the reading frame and introduce a premature termination codon and is predicted to result in an absent or altered protein product. Loss of function is an established disease mechanism for CHEK2 (PMID: 15122511; PMID: 16897426; PMID: 18381420). Also, this variant is absent from population databases. Based on the currently available evidence, this variant is classified as likely pathogenic.

Labcorp Genetics (formerly Invitae), Labcorp
Classification: Pathogenic for Familial cancer of breast. Last evaluated: 2025-02-18. Review status: criteria provided, single submitter. Criteria: Invitae Variant Classification Sherloc (09022015). Collection method: clinical testing. Allele origin: germline.
Comment: This sequence change creates a premature translational stop signal (p.Ser155Leufs*30) in the CHEK2 gene. It is expected to result in an absent or disrupted protein product. Loss-of-function variants in CHEK2 are known to be pathogenic (PMID: 21876083, 24713400). This variant is not present in population databases (gnomAD no frequency). This variant has not been reported in the literature in individuals affected with CHEK2-related conditions. For these reasons, this variant has been classified as Pathogenic.

Literature cited by the submitters: PubMed 15122511 (cited by Dasa); PubMed 16897426 (cited by Dasa); PubMed 18381420 (cited by Dasa); PubMed 21876083 (cited by Labcorp Genetics (formerly Invitae), Labcorp); PubMed 24713400 (cited by Labcorp Genetics (formerly Invitae), Labcorp).

NM_007194.4(CHEK2):c.464_465del (p.Ser155fs)

Gene: CHEK2 (checkpoint kinase 2; minus strand). Cytogenetic location: 22q12.1.
Variant type: Microsatellite.
Coding change: c.464_465del on transcript NM_007194.4 (MANE Select); coding-DNA positions 464 to 465, 2 bases deleted (CT; older notation c.464_465delCT).
Protein change: p.Ser155fs; shifts the reading frame from serine 155.
Molecular consequence: frameshift variant. On other transcripts: 5 prime UTR variant (2), intron variant (1).
Genome position (GRCh38, 1-based): chr22:28,725,104-28,725,105, AG deleted on the plus strand (CT on the coding strand, the reverse complement: CHEK2 is on the minus strand); deleting any 2 consecutive bases within chr22:28,725,104-28,725,107 gives the same sequence; the c. name uses the placement nearest the transcript's 3' end. VCF-style (leftmost placement, unchanged base first): chr22-28725103-AAG-A. GRCh37 (hg19) VCF-style: chr22-29121091-AAG-A.
Other names: c.-202CT[1] (NM_001437942.1); c.557_558del, p.Ser186fs (NM_001438293.1, NM_001438295.1); c.593_594del, p.Ser198fs (NM_001438294.1, NM_001005735.3); c.464_465del, p.Ser155fs (NM_145862.3); c.444+138_444+139del (NM_001349956.3); c.-316CT[1] (NM_001257387.3); short protein forms S155fs, S198fs, S186fs.
Identifiers: ClinVar variation 2125994 (VCV002125994.6), dbSNP rs2518054615, ClinGen allele CA2580615282.